The following is an entry in ClinVar:

ClinVar aggregate classification (germline): Uncertain significance (1 of 4 stars; one submission).

Conditions:
Alstrom syndrome (ALMS). Identifiers: Orphanet 64, MedGen C0268425, MONDO:0008763, OMIM 203800.

Allele frequency attached by ClinVar (database versions not stated): ExAC 0.00002.
gnomAD v4.1: 1 of 1,613,628 alleles (0.000062%); no homozygotes.

Submission:

Labcorp Genetics (formerly Invitae), Labcorp
Classification: Uncertain significance for Alstrom syndrome. Last evaluated: 2021-04-29. Review status: criteria provided, single submitter. Criteria: Invitae Variant Classification Sherloc (09022015). Collection method: clinical testing. Allele origin: germline.
Comment: This sequence change replaces serine with alanine at codon 1521 of the ALMS1 protein (p.Ser1521Ala). The serine residue is weakly conserved and there is a moderate physicochemical difference between serine and alanine. This variant is present in population databases (rs773848485, ExAC 0.003%). This variant has not been reported in the literature in individuals with ALMS1-related conditions. Experimental studies and prediction algorithms are not available or were not evaluated, and the functional significance of this variant is currently unknown. In summary, the available evidence is currently insufficient to determine the role of this variant in disease. Therefore, it has been classified as a Variant of Uncertain Significance.

NM_001378454.1(ALMS1):c.4558T>G (p.Ser1520Ala)

Gene: ALMS1 (ALMS1 centrosome and basal body associated protein; plus strand). Cytogenetic location: 2p13.1.
Variant type: single nucleotide variant.
Coding change: c.4558T>G on transcript NM_001378454.1 (MANE Select); coding-DNA position 4558, T replaced by G.
Protein change: p.Ser1520Ala; replaces serine 1520 with alanine.
Molecular consequence: missense variant.
Genome position (GRCh38, 1-based): chr2:73,451,085, T>G. VCF-style: chr2-73451085-T-G. GRCh37 (hg19) VCF-style: chr2-73678212-T-G.
Other names: c.4561T>G, p.Ser1521Ala (NM_015120.4); short protein forms S1521A, S1520A.
Identifiers: ClinVar variation 2166991 (VCV002166991.1), dbSNP rs773848485, ClinGen allele CA1713725.